The following is an entry in ClinVar:

ClinVar aggregate classification (germline): Benign/Likely benign. Review status: criteria provided, multiple submitters, no conflicts (2 of 4 stars). 11 submissions from 11 submitters: Benign (2); Likely benign (6). 3 of the submissions do not count toward it. Last evaluated 2026-06-01.

Conditions:
Weill-Marchesani syndrome. Also called: WM Syndrome; Mesodermal dysmorphodystrophy congenital. Identifiers: Orphanet 3449, MedGen C0265313, MONDO:0018096.
Weill-Marchesani syndrome 1 (WMS1). Also called: Weill-Marchesani syndrome 1, recessive; ADAMTS10-Related Weill-Marchesani Syndrome; Weill-Marchesani Syndrome, Autosomal Recessive. Identifiers: Orphanet 3449, MedGen C4552002, MONDO:0010194, OMIM 277600.
ADAMTS10-related disorder. Also called: ADAMTS10-related condition.

Allele frequency attached by ClinVar (database versions not stated): 1000 Genomes Project 0.00260; 1000 Genomes Project 30x 0.00265; ExAC 0.00547; gnomAD exomes 0.00554; TOPMed 0.00562; gnomAD 0.00608 and 0.00609; ESP Exome Variant Server 0.00623.

Submissions (27):

CeGaT Center for Human Genetics Tuebingen
Classification: Likely benign. Last evaluated: 2026-06-01. Review status: criteria provided, single submitter. Criteria: CeGaT Center For Human Genetics Tuebingen Variant Classification Criteria Version 2. Collection method: clinical testing. Allele origin: germline. Affected: yes. Observed: 9 variant alleles.
Comment: ADAMTS10: PP3, BS2

Labcorp Genetics (formerly Invitae), Labcorp
Classification: Likely benign. Last evaluated: 2026-02-04. Review status: criteria provided, single submitter. Criteria: Invitae Variant Classification Sherloc (09022015). Collection method: clinical testing. Allele origin: germline.

Mayo Clinic Laboratories, Mayo Clinic
Classification: Benign. Last evaluated: 2023-02-03. Review status: criteria provided, single submitter. Criteria: ACMG Guidelines, 2015. Collection method: clinical testing. Allele origin: germline. Observed: 17 variant alleles.
Comment: BS1, BS2

Center for Genomics, Ann and Robert H. Lurie Children's Hospital of Chicago
Classification: Likely benign for Weill-Marchesani syndrome 1. Last evaluated: 2022-06-21. Review status: criteria provided, single submitter. Criteria: ACMG Guidelines, 2015. Collection method: clinical testing. Allele origin: germline.
Comment: This variant has not been reported in the literature but is present in the Genome Aggregation Database (Highest MAF: 1.6%, including 10 homozygotes. This variant is present in ClinVar, with several laboratories classifying it as benign or likely benign (Variation ID: 787569). Splice prediction tools suggest that this variant may affect splicing. However, further studies are needed to understand its impact. In summary, data on this variant suggests that this variant does not cause disease but requires further evidence. Therefore, this variant is classified as likely benign.

Fulgent Genetics
Classification: Likely benign for Weill-Marchesani syndrome 1. Last evaluated: 2021-08-25. Review status: criteria provided, single submitter. Criteria: ACMG Guidelines, 2015. Collection method: clinical testing. Allele origin: unknown.

GeneDx
Classification: Benign. Last evaluated: 2020-07-16. Review status: criteria provided, single submitter. Criteria: GeneDx Variant Classification Process June 2021. Collection method: clinical testing. Allele origin: germline. Affected: yes.

Illumina Laboratory Services, Illumina
Classification: Likely benign for Weill-Marchesani syndrome. Last evaluated: 2018-01-13. Review status: criteria provided, single submitter. Criteria: ICSL Variant Classification Criteria 13 December 2019. Collection method: clinical testing. Allele origin: germline.
Comment: This variant was observed in the ICSL laboratory as part of a predisposition screen in an ostensibly healthy population. It had not been previously curated by ICSL or reported in the Human Gene Mutation Database (HGMD: prior to June 1st, 2018), and was therefore a candidate for classification through an automated scoring system. Utilizing variant allele frequency, disease prevalence and penetrance estimates, and inheritance mode, an automated score was calculated to assess if this variant is too frequent to cause the disease. Based on the score and internal cut-off values, a variant classified as likely benign is not then subjected to further curation. The score for this variant resulted in a classification of likely benign for this disease.

Breakthrough Genomics
Classification: Likely benign. Review status: criteria provided, single submitter. Criteria: ACMG Guidelines, 2015. Collection method: not provided. Allele origin: germline. Inheritance: Autosomal recessive inheritance. Affected: yes.

PreventionGenetics, part of Exact Sciences
Classification: Benign for ADAMTS10-related condition. Last evaluated: 2020-03-20. Review status: no assertion criteria provided. Collection method: clinical testing. Allele origin: germline. Not counted in ClinVar's aggregate classification.
Comment: This variant is classified as benign based on ACMG/AMP sequence variant interpretation guidelines (Richards et al. 2015 PMID: 25741868, with internal and published modifications).

Clinical Genetics DNA and cytogenetics Diagnostics Lab, Erasmus MC, Erasmus Medical Center
Classification: Likely benign. Review status: no assertion criteria provided. Collection method: clinical testing. Allele origin: germline. Affected: yes. Study: VKGL Data-share Consensus. Not counted in ClinVar's aggregate classification.

Dr. Peter K. Rogan Lab, Western University
No classification provided (evidence only). Condition: Gastric cancer. Review status: no classification provided. Collection method: in vitro. Allele origin: not applicable. Functional consequence: retained intron. Not counted in ClinVar's aggregate classification.

Dr. Peter K. Rogan Lab, Western University
No classification provided (evidence only). Condition: Gastric cancer. Review status: no classification provided. Collection method: in vitro. Allele origin: not applicable. Functional consequence: retained intron. Not counted in ClinVar's aggregate classification.

Dr. Peter K. Rogan Lab, Western University
No classification provided (evidence only). Condition: Gastric cancer. Review status: no classification provided. Collection method: in vitro. Allele origin: not applicable. Functional consequence: retained intron. Not counted in ClinVar's aggregate classification.

Dr. Peter K. Rogan Lab, Western University
No classification provided (evidence only). Condition: Uterine carcinosarcoma. Review status: no classification provided. Collection method: in vitro. Allele origin: not applicable. Functional consequence: retained intron. Not counted in ClinVar's aggregate classification.

Dr. Peter K. Rogan Lab, Western University
No classification provided (evidence only). Condition: Clear cell carcinoma of kidney. Review status: no classification provided. Collection method: in vitro. Allele origin: not applicable. Functional consequence: retained intron. Not counted in ClinVar's aggregate classification.

Dr. Peter K. Rogan Lab, Western University
No classification provided (evidence only). Condition: Clear cell carcinoma of kidney. Review status: no classification provided. Collection method: in vitro. Allele origin: not applicable. Functional consequence: retained intron. Not counted in ClinVar's aggregate classification.

Dr. Peter K. Rogan Lab, Western University
No classification provided (evidence only). Condition: Clear cell carcinoma of kidney. Review status: no classification provided. Collection method: in vitro. Allele origin: not applicable. Functional consequence: retained intron. Not counted in ClinVar's aggregate classification.

Dr. Peter K. Rogan Lab, Western University
No classification provided (evidence only). Condition: Clear cell carcinoma of kidney. Review status: no classification provided. Collection method: in vitro. Allele origin: not applicable. Functional consequence: retained intron. Not counted in ClinVar's aggregate classification.

Dr. Peter K. Rogan Lab, Western University
No classification provided (evidence only). Condition: Clear cell carcinoma of kidney. Review status: no classification provided. Collection method: in vitro. Allele origin: not applicable. Functional consequence: retained intron. Not counted in ClinVar's aggregate classification.

Dr. Peter K. Rogan Lab, Western University
No classification provided (evidence only). Condition: Familial cancer of breast. Review status: no classification provided. Collection method: in vitro. Allele origin: not applicable. Functional consequence: retained intron. Not counted in ClinVar's aggregate classification.

Dr. Peter K. Rogan Lab, Western University
No classification provided (evidence only). Condition: Cervical cancer. Review status: no classification provided. Collection method: in vitro. Allele origin: not applicable. Functional consequence: retained intron. Not counted in ClinVar's aggregate classification.

Dr. Peter K. Rogan Lab, Western University
No classification provided (evidence only). Condition: Thymoma. Review status: no classification provided. Collection method: in vitro. Allele origin: not applicable. Functional consequence: retained intron. Not counted in ClinVar's aggregate classification.

Dr. Peter K. Rogan Lab, Western University
No classification provided (evidence only). Condition: Thymoma. Review status: no classification provided. Collection method: in vitro. Allele origin: not applicable. Functional consequence: retained intron. Not counted in ClinVar's aggregate classification.

Dr. Peter K. Rogan Lab, Western University
No classification provided (evidence only). Condition: Ovarian serous cystadenocarcinoma. Review status: no classification provided. Collection method: in vitro. Allele origin: not applicable. Functional consequence: retained intron. Not counted in ClinVar's aggregate classification.

Dr. Peter K. Rogan Lab, Western University
No classification provided (evidence only). Condition: Ovarian serous cystadenocarcinoma. Review status: no classification provided. Collection method: in vitro. Allele origin: not applicable. Functional consequence: retained intron. Not counted in ClinVar's aggregate classification.

Dr. Peter K. Rogan Lab, Western University
No classification provided (evidence only). Condition: Ovarian serous cystadenocarcinoma. Review status: no classification provided. Collection method: in vitro. Allele origin: not applicable. Functional consequence: retained intron. Not counted in ClinVar's aggregate classification.

Laboratory of Diagnostic Genome Analysis, Leiden University Medical Center (LUMC)
Classification: Likely benign. Review status: no assertion criteria provided. Collection method: clinical testing. Allele origin: germline. Affected: yes. Study: VKGL Data-share Consensus. Not counted in ClinVar's aggregate classification.

NM_030957.4(ADAMTS10):c.2403+4A>G

Gene: ADAMTS10 (ADAM metallopeptidase with thrombospondin type 1 motif 10; minus strand). Cytogenetic location: 19p13.2.
Variant type: single nucleotide variant.
Coding change: c.2403+4A>G on transcript NM_030957.4 (MANE Select); 4 bases into the intron after coding-DNA position 2403, A replaced by G.
Molecular consequence: intron variant.
Genome position (GRCh38, 1-based): chr19:8,586,554, T>C on the plus strand (A>G on the coding strand, the complement: ADAMTS10 is on the minus strand). VCF-style: chr19-8586554-T-C. GRCh37 (hg19) VCF-style: chr19-8651438-T-C.
Other names: p.?; c.864+4A>G (NM_001282352.2).
Identifiers: ClinVar variation 787569 (VCV000787569.49), dbSNP rs187565033, ClinGen allele CA9160126.